The following is an entry in ClinVar:

ClinVar aggregate classification (germline): Pathogenic (1 of 4 stars; one submission).

Conditions:
Tuberous sclerosis 2 (TSC2). Identifiers: Orphanet 805, MedGen C1860707, MONDO:0013199, OMIM 613254.

Submission:

Labcorp Genetics (formerly Invitae), Labcorp
Classification: Pathogenic for Tuberous sclerosis 2. Last evaluated: 2019-07-08. Review status: criteria provided, single submitter. Criteria: Invitae Variant Classification Sherloc (09022015). Collection method: clinical testing. Allele origin: germline.
Comment: For these reasons, this variant has been classified as Pathogenic. Loss-of-function variants in TSC2 are known to be pathogenic (PMID: 10205261, 17304050). This variant has not been reported in the literature in individuals with TSC2-related conditions. This variant is not present in population databases (ExAC no frequency). This sequence change creates a premature translational stop signal (p.Ser1094*) in the TSC2 gene. It is expected to result in an absent or disrupted protein product.

Literature cited by the submitters: PubMed 10205261; PubMed 17304050.

NM_000548.5(TSC2):c.3281C>A (p.Ser1094Ter)

Gene: TSC2 (TSC complex subunit 2; plus strand). Cytogenetic location: 16p13.3.
Variant type: single nucleotide variant.
Coding change: c.3281C>A on transcript NM_000548.5 (MANE Select); coding-DNA position 3281, C replaced by A.
Protein change: p.Ser1094Ter; replaces serine 1094 with a stop codon.
Molecular consequence: nonsense.
Genome position (GRCh38, 1-based): chr16:2,079,425, C>A. VCF-style: chr16-2079425-C-A. GRCh37 (hg19) VCF-style: chr16-2129426-C-A.
Other names: c.3149C>A, p.Ser1050Ter (NM_001077183.3, NM_001370404.1); c.3281C>A, p.Ser1094Ter (NM_001114382.3); c.3041C>A, p.Ser1014Ter (NM_001318827.2); c.3005C>A, p.Ser1002Ter (NM_001318829.2); c.2549C>A, p.Ser850Ter (NM_001318831.2); c.3182C>A, p.Ser1061Ter (NM_001318832.2); c.3152C>A, p.Ser1051Ter (NM_001363528.2, NM_001370405.1, NM_021055.3); short protein forms S1002*, S1051*, S1014*, S850*, S1050*, S1061*, S1094*.
Identifiers: ClinVar variation 951721 (VCV000951721.7), dbSNP rs397514887, ClinGen allele CA394286305.